The following is an entry in ClinVar:

ClinVar aggregate classification (germline): Uncertain significance (1 of 4 stars; one submission).

Conditions:
Peutz-Jeghers syndrome (PJS). Also called: POLYPOSIS, HAMARTOMATOUS INTESTINAL; POLYPS-AND-SPOTS SYNDROME; Peutz-Jeghers polyposis; Periorificial lentiginosis syndrome. Identifiers: Orphanet 2869, MedGen C0031269, MeSH D010580, MONDO:0008280, OMIM 175200.

Submission:

Labcorp Genetics (formerly Invitae), Labcorp
Classification: Uncertain significance for Peutz-Jeghers syndrome. Last evaluated: 2024-11-22. Review status: criteria provided, single submitter. Criteria: Invitae Variant Classification Sherloc (09022015). Collection method: clinical testing. Allele origin: germline.
Comment: This sequence change replaces arginine, which is basic and polar, with glycine, which is neutral and non-polar, at codon 40 of the STK11 protein (p.Arg40Gly). This variant is not present in population databases (gnomAD no frequency). This variant has not been reported in the literature in individuals affected with STK11-related conditions. ClinVar contains an entry for this variant (Variation ID: 458021). Invitae Evidence Modeling of protein sequence and biophysical properties (such as structural, functional, and spatial information, amino acid conservation, physicochemical variation, residue mobility, and thermodynamic stability) has been performed for this missense variant. However, the output from this modeling did not meet the statistical confidence thresholds required to predict the impact of this variant on STK11 protein function. In summary, the available evidence is currently insufficient to determine the role of this variant in disease. Therefore, it has been classified as a Variant of Uncertain Significance.

NM_000455.5(STK11):c.118C>G (p.Arg40Gly)

Gene: STK11 (serine/threonine kinase 11; plus strand). Cytogenetic location: 19p13.3.
Variant type: single nucleotide variant.
Coding change: c.118C>G on transcript NM_000455.5 (MANE Select); coding-DNA position 118, C replaced by G.
Protein change: p.Arg40Gly; replaces arginine 40 with glycine.
Molecular consequence: missense variant.
Genome position (GRCh38, 1-based): chr19:1,207,031, C>G. VCF-style: chr19-1207031-C-G. GRCh37 (hg19) VCF-style: chr19-1207030-C-G.
Other names: short protein forms R40G.
Identifiers: ClinVar variation 458021 (VCV000458021.8), dbSNP rs1555734954, ClinGen allele CA402943929.